The following is an entry in ClinVar:

ClinVar aggregate classification (germline): Likely pathogenic (1 of 4 stars; one submission).

Conditions:
Familial multiple polyposis syndrome (FAP). Also called: Familial Adenomatous Polyposis (FAP); Familial polyposis; Classic familial adenomatous polyposis; Familial adenomatous polyposis; Familial intestinal polyposis. Identifiers: Orphanet 733, MedGen C0032580, MONDO:0021055. Disease mechanism: loss of function.

Submission:

Women's Health and Genetics/Laboratory Corporation of America, LabCorp
Classification: Likely pathogenic for Familial multiple polyposis syndrome. Last evaluated: 2021-07-21. Review status: criteria provided, single submitter. Criteria: LabCorp Variant Classification Summary - May 2015. Collection method: clinical testing. Allele origin: germline.
Comment: Variant summary: The variant identified by MLPA or other technology involves the deletion of exons 5-6 in the APC gene. A presumed nomenclature of c.(422+1_423-1)_(645+1_646-1)del has been designated for the purposes of this classification. Although the exact breakpoints of this deletion are not known, it is expected to result in a frameshift deletion change in the APC gene, a known mechanism of disease. The variant was absent in 21694 control chromosomes (gnomAD, Structural Variants dataset). Deletion of exons 5-6 (described as deletion of exons 4-5 using alternate exon numbering) has been reported in the literature as a de novo variant in at least one individual who presented with a classic Familial Adenomatous Polyposis (FAP) phenotype (Nielsen_2007). One ClinVar submitter (evaluation after 2014) cites the variant as pathogenic. Based on the evidence outlined above, the variant was classified as likely pathogenic.

Literature cited by the submitters: PubMed 17568392.

NC_000005.9:g.(112103088_112111325)_(112116601_112128142)del

Gene: APC (APC regulator of Wnt signaling pathway; plus strand). Cytogenetic location: 5q22.2.
Variant type: Deletion.
Identifiers: ClinVar variation 1192195 (VCV001192195.1).